The following is an entry in ClinVar:

NM_000051.4(ATM):c.838A>G (p.Ile280Val)

Gene: ATM (ATM serine/threonine kinase; plus strand). Cytogenetic location: 11q22.3.
Variant type: single nucleotide variant.
Coding change: c.838A>G on transcript NM_000051.4 (MANE Select); coding-DNA position 838, A replaced by G.
Protein change: p.Ile280Val; replaces isoleucine 280 with valine.
Molecular consequence: missense variant.
Genome position (GRCh38, 1-based): chr11:108,244,963, A>G. VCF-style: chr11-108244963-A-G. GRCh37 (hg19) VCF-style: chr11-108115690-A-G.
Other names: c.838A>G, p.Ile280Val (NM_001351834.2); short protein forms I280V.
Identifiers: ClinVar variation 407462 (VCV000407462.23), dbSNP rs764048041, ClinGen allele CA6264683.

ClinVar aggregate classification (germline): Uncertain significance. Review status: criteria provided, multiple submitters, no conflicts (2 of 4 stars). 6 submissions from 6 submitters: Uncertain significance (5). 1 of the submissions does not count toward it. Last evaluated 2025-12-21.

Conditions:
Ataxia-telangiectasia syndrome (AT). Also called: Ataxia telangiectasia (A-T); LOUIS-BAR SYNDROME; Cerebello-oculocutaneous telangiectasia; Immunodeficiency with ataxia telangiectasia; Ataxia-telangiectasia, complementation group D; AT, COMPLEMENTATION GROUP C. Identifiers: Orphanet 100, MedGen C0004135, MONDO:0008840, OMIM 208900.
Hereditary cancer-predisposing syndrome. Also called: Hereditary neoplastic syndrome; Neoplastic Syndromes, Hereditary; Tumor predisposition; Hereditary Cancer Syndrome. Identifiers: Orphanet 140162, MedGen C0027672, MeSH D009386, MONDO:0015356.

Allele frequency attached by ClinVar (database versions not stated): gnomAD exomes below 0.00001 and 0.00001; TOPMed below 0.00001; ExAC 0.00001.
gnomAD v4.1: 3 of 1,613,222 alleles (0.00019%); highest among the groups gnomAD compares: Admixed American, 0.0033%; no homozygotes.

Submissions (6):

Labcorp Genetics (formerly Invitae), Labcorp
Classification: Uncertain significance for Ataxia-telangiectasia syndrome. Last evaluated: 2025-12-21. Review status: criteria provided, single submitter. Criteria: Invitae Variant Classification Sherloc (09022015). Collection method: clinical testing. Allele origin: germline.
Comment: This sequence change replaces isoleucine, which is neutral and non-polar, with valine, which is neutral and non-polar, at codon 280 of the ATM protein (p.Ile280Val). This variant is present in population databases (rs764048041, gnomAD 0.003%). This missense change has been observed in individual(s) with ATM-related conditions (PMID: 34262154, 35534704). ClinVar contains an entry for this variant (Variation ID: 407462). Invitae Evidence Modeling of protein sequence and biophysical properties (such as structural, functional, and spatial information, amino acid conservation, physicochemical variation, residue mobility, and thermodynamic stability) indicates that this missense variant is not expected to disrupt ATM protein function with a negative predictive value of 95%. In summary, the available evidence is currently insufficient to determine the role of this variant in disease. Therefore, it has been classified as a Variant of Uncertain Significance.

Catlab - Consorci Sanitari de Terrassa
Classification: Uncertain significance for Hereditary cancer-predisposing syndrome. Last evaluated: 2024-12-15. Review status: criteria provided, single submitter. Criteria: ClinGen HBOP ACMG Specifications ATM Version1_3. Collection method: clinical testing. Allele origin: germline.
Comment: Based on the currently available information, this variant is classified as Variant of Uncertain Significance according to ClinGen-ATM v1.3.0 guidelines. ACMG criteria: PM2_supp, BP4.

Color Diagnostics, LLC DBA Color Health
Classification: Uncertain significance for Hereditary cancer-predisposing syndrome. Last evaluated: 2024-10-29. Review status: criteria provided, single submitter. Criteria: ACMG Guidelines, 2015. Collection method: clinical testing. Allele origin: germline.
Comment: This missense variant replaces isoleucine with valine at codon 280 of the ATM protein. Computational prediction suggests that this variant may not impact protein structure and function. To our knowledge, functional studies have not been reported for this variant. This variant has been reported in an individual affected with breast cancer (PMID: 32761968). This variant has been identified in 1/250510 chromosomes in the general population by the Genome Aggregation Database (gnomAD). The available evidence is insufficient to determine the role of this variant in disease conclusively. Therefore, this variant is classified as a Variant of Uncertain Significance.

Ambry Genetics
Classification: Uncertain significance for Hereditary cancer-predisposing syndrome. Last evaluated: 2023-03-17. Review status: criteria provided, single submitter. Criteria: Ambry Variant Classification Scheme 2023. Collection method: clinical testing. Allele origin: germline.
Comment: The p.I280V variant (also known as c.838A>G), located in coding exon 6 of the ATM gene, results from an A to G substitution at nucleotide position 838. The isoleucine at codon 280 is replaced by valine, an amino acid with highly similar properties. This amino acid position is highly conserved through mammals but not in all available vertebrate species. In addition, this alteration is predicted to be tolerated by in silico analysis. Since supporting evidence is limited at this time, the clinical significance of this alteration remains unclear.

GeneDx
Classification: Uncertain significance. Last evaluated: 2020-03-17. Review status: criteria provided, single submitter. Criteria: GeneDx Variant Classification Process June 2021. Collection method: clinical testing. Allele origin: germline. Affected: yes.
Comment: Not observed at a significant frequency in large population cohorts (Lek et al., 2016); In silico analysis supports that this missense variant does not alter protein structure/function; Has not been previously published as pathogenic or benign to our knowledge

Natera, Inc.
Classification: Uncertain significance for Ataxia-telangiectasia. Last evaluated: 2020-12-03. Review status: no assertion criteria provided. Collection method: clinical testing. Allele origin: germline. Not counted in ClinVar's aggregate classification.

Literature cited by the submitters: PubMed 34262154 (cited by Labcorp Genetics (formerly Invitae), Labcorp); PubMed 35534704 (cited by Labcorp Genetics (formerly Invitae), Labcorp); PubMed 32761968 (cited by Color Diagnostics, LLC DBA Color Health).